The following is an entry in ClinVar:

ClinVar aggregate classification (germline): Uncertain significance. Review status: criteria provided, multiple submitters, no conflicts (2 of 4 stars). 2 submissions from 2 submitters: Uncertain significance (2). Last evaluated 2026-10-06.

Allele frequency attached by ClinVar (database versions not stated): ExAC 0.00002.
gnomAD v4.1: 97 of 1,613,584 alleles (0.006%); highest among the groups gnomAD compares: Middle Eastern, 0.016%; no homozygotes.

Submissions (2):

GeneDx
Classification: Uncertain significance. Last evaluated: 2026-10-06. Review status: criteria provided, single submitter. Criteria: GeneDx Variant Classification Process June 2021. Collection method: clinical testing. Allele origin: germline.
Comment: Not observed at significant frequency in large population cohorts (gnomAD); In silico analysis suggests that this missense variant does not alter protein structure/function; Has not been previously published as pathogenic or benign to our knowledge

Mayo Clinic Laboratories, Mayo Clinic
Classification: Uncertain significance. Last evaluated: 2023-04-18. Review status: criteria provided, single submitter. Criteria: ACMG Guidelines, 2015. Collection method: clinical testing. Allele origin: germline. Observed: 1 variant allele.

NM_001129.5(AEBP1):c.1369G>A (p.Val457Ile)

Gene: AEBP1 (AE binding protein 1; plus strand). Cytogenetic location: 7p13.
Variant type: single nucleotide variant.
Coding change: c.1369G>A on transcript NM_001129.5 (MANE Select); coding-DNA position 1369, G replaced by A.
Protein change: p.Val457Ile; replaces valine 457 with isoleucine.
Molecular consequence: missense variant.
Genome position (GRCh38, 1-based): chr7:44,110,315, G>A. VCF-style: chr7-44110315-G-A. GRCh37 (hg19) VCF-style: chr7-44149914-G-A.
Other names: p.Val457Ile; short protein forms V457I.
Identifiers: ClinVar variation 2571855 (VCV002571855.3), dbSNP rs758274269, ClinGen allele CA4237868.